The following is an entry in ClinVar:

ClinVar aggregate classification (germline): Uncertain significance. Review status: criteria provided, single submitter (1 of 4 stars). 2 submissions from 2 submitters: Uncertain significance (1). 1 of the submissions does not count toward it. Last evaluated 2024-11-14.

Conditions:
DNMT3A-related disorder. Also called: DNMT3A-related disorders; DNMT3A-related condition.
Tatton-Brown-Rahman overgrowth syndrome. Also called: Tall stature-intellectual disability-facial dysmorphism syndrome; Tatton-Brown-Rahman syndrome. Identifiers: Orphanet 404443, MedGen C4014545, MONDO:0014382, OMIM 615879.

Allele frequency attached by ClinVar (database versions not stated): ExAC 0.00001; gnomAD exomes 0.00001; TOPMed 0.00001; gnomAD 0.00002.

Submissions (2):

Labcorp Genetics (formerly Invitae), Labcorp
Classification: Uncertain significance for Tatton-Brown-Rahman overgrowth syndrome. Last evaluated: 2024-11-14. Review status: criteria provided, single submitter. Criteria: Invitae Variant Classification Sherloc (09022015). Collection method: clinical testing. Allele origin: germline.
Comment: This sequence change replaces alanine, which is neutral and non-polar, with threonine, which is neutral and polar, at codon 84 of the DNMT3A protein (p.Ala84Thr). This variant is present in population databases (rs753287419, gnomAD 0.007%). This variant has not been reported in the literature in individuals affected with DNMT3A-related conditions. ClinVar contains an entry for this variant (Variation ID: 2194901). Invitae Evidence Modeling of protein sequence and biophysical properties (such as structural, functional, and spatial information, amino acid conservation, physicochemical variation, residue mobility, and thermodynamic stability) indicates that this missense variant is not expected to disrupt DNMT3A protein function with a negative predictive value of 95%. In summary, the available evidence is currently insufficient to determine the role of this variant in disease. Therefore, it has been classified as a Variant of Uncertain Significance.

PreventionGenetics, part of Exact Sciences
Classification: Uncertain significance for DNMT3A-related condition. Last evaluated: 2024-04-23. Review status: no assertion criteria provided. Collection method: clinical testing. Allele origin: germline. Not counted in ClinVar's aggregate classification.
Comment: The DNMT3A c.250G>A variant is predicted to result in the amino acid substitution p.Ala84Thr. To our knowledge, this variant has not been reported in the literature. This variant is reported in 0.0063% of alleles in individuals of African descent in gnomAD. At this time, the clinical significance of this variant is uncertain due to the absence of conclusive functional and genetic evidence.

NM_022552.5(DNMT3A):c.250G>A (p.Ala84Thr)

Gene: DNMT3A (DNA methyltransferase 3 alpha; minus strand). Cytogenetic location: 2p23.3.
Variant type: single nucleotide variant.
Coding change: c.250G>A on transcript NM_022552.5 (MANE Select); coding-DNA position 250, G replaced by A.
Protein change: p.Ala84Thr; replaces alanine 84 with threonine.
Molecular consequence: missense variant. On other transcripts: non-coding transcript variant (1).
Genome position (GRCh38, 1-based): chr2:25,282,639, C>T on the plus strand (G>A on the coding strand, the complement: DNMT3A is on the minus strand). VCF-style: chr2-25282639-C-T. GRCh37 (hg19) VCF-style: chr2-25505508-C-T.
Other names: c.250G>A, p.Ala84Thr (NM_001320892.2, NM_175629.2, NM_175630.1); short protein forms A84T.
Identifiers: ClinVar variation 2194901 (VCV002194901.5), dbSNP rs753287419, ClinGen allele CA1556504.
Genomic context (GRCh38, chr2:25,282,639, plus strand): 5'-CCTCCTCTGGCTGGGGCTCACTCCGCTTCTCCAAGTCCCCATTGGGTAATAGCTCTGAGG[C>T]GCCTGAGTCCTGGGCCATGGATGGGGACTTGGAGATCACCGCAGGGTCCTTTGGCGTGTC-3'
Protein context (NP_072046.2, residues 74-94): KSPSMAQDSG[Ala84Thr]SELLPNGDLE